The following is an entry in ClinVar:

NM_001034116.2(EIF2B4):c.32-86C>A

Gene: EIF2B4 (eukaryotic translation initiation factor 2B subunit delta; minus strand). Cytogenetic location: 2p23.3.
Variant type: single nucleotide variant.
Coding change: c.32-86C>A on transcript NM_001034116.2 (MANE Select); 86 bases into the intron before coding-DNA position 32, C replaced by A.
Molecular consequence: intron variant. On other transcripts: synonymous variant (2), 5 prime UTR variant (1).
Genome position (GRCh38, 1-based): chr2:27,370,005, G>T on the plus strand (C>A on the coding strand, the complement: EIF2B4 is on the minus strand). VCF-style: chr2-27370005-G-T. GRCh37 (hg19) VCF-style: chr2-27592872-G-T.
Other names: c.9C>A, p.Thr3= (NM_001318965.2, NM_172195.4); c.-570C>A (NM_001318968.2); c.-55-86C>A (NM_001318967.2); c.32-86C>A (NM_015636.4); c.-561-86C>A (NM_001318969.2); c.-14-86C>A (NM_001318966.2).
Identifiers: ClinVar variation 3040983 (VCV003040983.2), dbSNP rs984995487, ClinGen allele CA44515254.
Genomic context (GRCh38, chr2:27,370,005, plus strand): 5'-TGAGCCAGAGAGACTCCGGGAGGGTTTGGGGGCACGAGTACTCGGCGCAGCCGGCTGCTG[G>T]GTTGGCATGACCACGGATCCGCCGGCAGGCGCGAGGCGAGCCAGGGATCCGCGTGGGGAC-3'

ClinVar aggregate classification (germline): Likely benign (0 of 4 stars; one submission).

Conditions:
EIF2B4-related disorder. Also called: EIF2B4-related condition.

Allele frequency attached by ClinVar (database versions not stated): gnomAD 0.00001.
gnomAD v4.1: 9 of 1,533,102 alleles (0.00059%); highest among the groups gnomAD compares: Non-Finnish European, 0.00079%; no homozygotes.

Submission:

PreventionGenetics, part of Exact Sciences
Classification: Likely benign for EIF2B4-related condition. Last evaluated: 2019-09-17. Review status: no assertion criteria provided. Collection method: clinical testing. Allele origin: germline.
Comment: This variant is classified as likely benign based on ACMG/AMP sequence variant interpretation guidelines (Richards et al. 2015 PMID: 25741868, with internal and published modifications).